The following is an entry in ClinVar:

NM_024753.5(TTC21B):c.3586T>G (p.Phe1196Val)

Gene: TTC21B (tetratricopeptide repeat domain 21B; minus strand). Cytogenetic location: 2q24.3.
Variant type: single nucleotide variant.
Coding change: c.3586T>G on transcript NM_024753.5 (MANE Select); coding-DNA position 3586, T replaced by G.
Protein change: p.Phe1196Val; replaces phenylalanine 1196 with valine.
Molecular consequence: missense variant.
Genome position (GRCh38, 1-based): chr2:165,883,892, A>C on the plus strand (T>G on the coding strand, the complement: TTC21B is on the minus strand). VCF-style: chr2-165883892-A-C. GRCh37 (hg19) VCF-style: chr2-166740402-A-C.
Other names: c.3586T>G (NM_024753.4); short protein forms F1196V.
Identifiers: ClinVar variation 1346312 (VCV001346312.5), dbSNP rs754307147, ClinGen allele CA1941466.

ClinVar aggregate classification (germline): Uncertain significance. Review status: criteria provided, multiple submitters, no conflicts (2 of 4 stars). 3 submissions from 3 submitters: Uncertain significance (3). Last evaluated 2025-10-08.

Conditions:
Nephronophthisis. Also called: Juvenile Nephronophthisis. Identifiers: Orphanet 655, MedGen C0687120, MONDO:0019005, HP:0000090.
Jeune thoracic dystrophy. Also called: Infantile thoracic dystrophy; Thoracic pelvic phalangeal dystrophy; Jeune's syndrome; Chondroectodermal dysplasia-like syndrome; Jeune syndrome; Short-rib thoracic dysplasia. Identifiers: Orphanet 474, MedGen C0265275, MONDO:0018770.
TTC21B-related disorder. Also called: TTC21B-related condition; TTC21B-related disorders.

Allele frequency attached by ClinVar (database versions not stated): gnomAD 0.00001; TOPMed 0.00001; gnomAD exomes 0.00002; ExAC 0.00005.
gnomAD v4.1: 33 of 1,613,830 alleles (0.002%); highest among the groups gnomAD compares: Non-Finnish European, 0.0025%; no homozygotes.

Submissions (3):

PreventionGenetics, part of Exact Sciences
Classification: Uncertain significance for TTC21B-related condition. Last evaluated: 2025-10-08. Review status: criteria provided, single submitter. Criteria: ACMG Guidelines, 2015. Collection method: clinical testing. Allele origin: germline.
Comment: The TTC21B c.3586T>G variant is predicted to result in the amino acid substitution p.Phe1196Val. To our knowledge, this variant has not been reported in the literature. This variant is reported in 0.0044% of alleles in individuals of European (Non-Finnish) descent in gnomAD. At this time, the clinical significance of this variant is uncertain due to the absence of conclusive functional and genetic evidence.

Labcorp Genetics (formerly Invitae), Labcorp
Classification: Uncertain significance for Jeune thoracic dystrophy; Nephronophthisis. Last evaluated: 2022-10-24. Review status: criteria provided, single submitter. Criteria: Invitae Variant Classification Sherloc (09022015). Collection method: clinical testing. Allele origin: germline.
Comment: This sequence change replaces phenylalanine, which is neutral and non-polar, with valine, which is neutral and non-polar, at codon 1196 of the TTC21B protein (p.Phe1196Val). This variant is present in population databases (rs754307147, gnomAD 0.004%). This variant has not been reported in the literature in individuals affected with TTC21B-related conditions. ClinVar contains an entry for this variant (Variation ID: 1346312). Advanced modeling of protein sequence and biophysical properties (such as structural, functional, and spatial information, amino acid conservation, physicochemical variation, residue mobility, and thermodynamic stability) performed at Invitae indicates that this missense variant is not expected to disrupt TTC21B protein function. In summary, the available evidence is currently insufficient to determine the role of this variant in disease. Therefore, it has been classified as a Variant of Uncertain Significance.

Blueprint Genetics
Classification: Uncertain significance. Last evaluated: 2017-06-02. Review status: criteria provided, single submitter. Criteria: ACMG Guidelines, 2015. Collection method: clinical testing. Allele origin: germline.